The following is an entry in ClinVar:

NM_001384140.1(PCDH15):c.1306-4111A>C

Gene: PCDH15 (protocadherin related 15; minus strand). Cytogenetic location: 10q21.1.
Variant type: single nucleotide variant.
Coding change: c.1306-4111A>C on transcript NM_001384140.1 (MANE Select); 4111 bases into the intron before coding-DNA position 1306, A replaced by C.
Molecular consequence: intron variant. On other transcripts: synonymous variant (2).
Genome position (GRCh38, 1-based): chr10:54,189,379, T>G on the plus strand (A>C on the coding strand, the complement: PCDH15 is on the minus strand). VCF-style: chr10-54189379-T-G. GRCh37 (hg19) VCF-style: chr10-55949139-T-G.
Other names: c.1326A>C, p.Pro442= (NM_001142769.4); c.1311A>C, p.Pro437= (NM_001354411.2); c.1306-4111A>C (NM_001354420.2, NM_001354429.2, NM_001142772.2 and 6 more transcripts); c.1321-4111A>C (NM_001142771.2, NM_001142763.2); c.1240-4111A>C (NM_001354404.2, NM_001142773.2, NM_001142768.2); c.1195-4111A>C (NM_001142767.2); c.1326A>C (NM_001142769.1).
Identifiers: ClinVar variation 765838 (VCV000765838.10), dbSNP rs78392377, ClinGen allele CA5506436.

ClinVar aggregate classification (germline): Likely benign. Review status: criteria provided, multiple submitters, no conflicts (2 of 4 stars). 3 submissions from 3 submitters: Likely benign (3). Last evaluated 2025-05-02.

Conditions:
PCDH15-related disorder. Also called: PCDH15-related condition; PCDH15-related disorders.

Allele frequency attached by ClinVar (database versions not stated): gnomAD 0.00001; gnomAD exomes 0.00001 and 0.00006; TOPMed 0.00002; ExAC 0.00007.
gnomAD v4.1: 9 of 1,563,420 alleles (0.00058%); highest among the groups gnomAD compares: East Asian, 0.021%; no homozygotes.

Submissions (3):

PreventionGenetics, part of Exact Sciences
Classification: Likely benign for PCDH15-related condition. Last evaluated: 2025-05-02. Review status: criteria provided, single submitter. Criteria: ACMG Guidelines, 2015. Collection method: clinical testing. Allele origin: germline.
Comment: This variant is classified as likely benign based on ACMG/AMP sequence variant interpretation guidelines (Richards et al. 2015 PMID: 25741868, with internal and published modifications).

Blueprint Genetics
Classification: Likely benign. Last evaluated: 2022-10-28. Review status: criteria provided, single submitter. Criteria: ACMG Guidelines, 2015. Collection method: clinical testing. Allele origin: germline.

Labcorp Genetics (formerly Invitae), Labcorp
Classification: Likely benign. Last evaluated: 2018-08-16. Review status: criteria provided, single submitter. Criteria: Invitae Variant Classification Sherloc (09022015). Collection method: clinical testing. Allele origin: germline.